The following is an entry in ClinVar:

ClinVar aggregate classification (germline): Uncertain significance (1 of 4 stars; one submission).

gnomAD v4.1: 2 of 1,613,786 alleles (0.00012%); highest among the groups gnomAD compares: East Asian, 0.0022%; no homozygotes.

Submission:

Labcorp Genetics (formerly Invitae), Labcorp
Classification: Uncertain significance. Last evaluated: 2024-12-02. Review status: criteria provided, single submitter. Criteria: Invitae Variant Classification Sherloc (09022015). Collection method: clinical testing. Allele origin: germline.
Comment: This sequence change replaces arginine, which is basic and polar, with threonine, which is neutral and polar, at codon 769 of the ABCC6 protein (p.Arg769Thr). This variant is not present in population databases (gnomAD no frequency). This variant has not been reported in the literature in individuals affected with ABCC6-related conditions. ClinVar contains an entry for this variant (Variation ID: 3000022). Invitae Evidence Modeling of protein sequence and biophysical properties (such as structural, functional, and spatial information, amino acid conservation, physicochemical variation, residue mobility, and thermodynamic stability) has been performed for this missense variant. However, the output from this modeling did not meet the statistical confidence thresholds required to predict the impact of this variant on ABCC6 protein function. In summary, the available evidence is currently insufficient to determine the role of this variant in disease. Therefore, it has been classified as a Variant of Uncertain Significance.

NM_001171.6(ABCC6):c.2306G>C (p.Arg769Thr)

Gene: ABCC6 (ATP binding cassette subfamily C member 6; minus strand). Cytogenetic location: 16p13.11.
Variant type: single nucleotide variant.
Coding change: c.2306G>C on transcript NM_001171.6 (MANE Select); coding-DNA position 2306, G replaced by C.
Protein change: p.Arg769Thr; replaces arginine 769 with threonine.
Molecular consequence: missense variant. On other transcripts: non-coding transcript variant (1).
Genome position (GRCh38, 1-based): chr16:16,178,907, C>G on the plus strand (G>C on the coding strand, the complement: ABCC6 is on the minus strand). VCF-style: chr16-16178907-C-G. GRCh37 (hg19) VCF-style: chr16-16272764-C-G.
Other names: c.1964G>C, p.Arg655Thr (NM_001351800.1); short protein forms R769T, R655T.
Identifiers: ClinVar variation 3000022 (VCV003000022.3), dbSNP rs57794451, ClinGen allele CA394888093.